The following is an entry in ClinVar:

ClinVar aggregate classification (germline): Uncertain significance. Review status: criteria provided, multiple submitters, no conflicts (2 of 4 stars). 2 submissions from 2 submitters: Uncertain significance (2). Last evaluated 2024-09-13.

Conditions:
Hyperinsulinism-hyperammonemia syndrome (HHF6). Identifiers: Orphanet 35878, MedGen C1847555, MONDO:0011717, OMIM 606762.

Submissions (2):

Labcorp Genetics (formerly Invitae), Labcorp
Classification: Uncertain significance for Hyperinsulinism-hyperammonemia syndrome. Last evaluated: 2024-09-13. Review status: criteria provided, single submitter. Criteria: Invitae Variant Classification Sherloc (09022015). Collection method: clinical testing. Allele origin: germline.
Comment: This sequence change replaces glutamic acid, which is acidic and polar, with glycine, which is neutral and non-polar, at codon 96 of the GLUD1 protein (p.Glu96Gly). This variant is not present in population databases (gnomAD no frequency). This variant has not been reported in the literature in individuals affected with GLUD1-related conditions. Invitae Evidence Modeling of protein sequence and biophysical properties (such as structural, functional, and spatial information, amino acid conservation, physicochemical variation, residue mobility, and thermodynamic stability) indicates that this missense variant is not expected to disrupt GLUD1 protein function with a negative predictive value of 80%. In summary, the available evidence is currently insufficient to determine the role of this variant in disease. Therefore, it has been classified as a Variant of Uncertain Significance.

Blueprint Genetics
Classification: Uncertain significance. Last evaluated: 2020-08-21. Review status: criteria provided, single submitter. Criteria: ACMG Guidelines, 2015. Collection method: clinical testing. Allele origin: germline.

NM_005271.5(GLUD1):c.287A>G (p.Glu96Gly)

Genes: GLUD1 (glutamate dehydrogenase 1; minus strand), SHLD2 (shieldin complex subunit 2; plus strand). Cytogenetic location: 10q23.2.
Variant type: single nucleotide variant.
Coding change: c.287A>G on transcript NM_005271.5 (MANE Select); coding-DNA position 287, A replaced by G.
Protein change: p.Glu96Gly; replaces glutamic acid 96 with glycine.
Molecular consequence: missense variant. On other transcripts: 5 prime UTR variant (3).
Genome position (GRCh38, 1-based): chr10:87,094,483, T>C on the plus strand (A>G on the coding strand, the complement: GLUD1 is on the minus strand). VCF-style: chr10-87094483-T-C. GRCh37 (hg19) VCF-style: chr10-88854240-T-C.
Other names: c.-442A>G (NM_001318904.2); c.-568A>G (NM_001318905.2); c.-275A>G (NM_001318906.2); short protein forms E96G.
Identifiers: ClinVar variation 3691240 (VCV003691240.3).